The following is an entry in ClinVar:

NM_001620.3(AHNAK):c.10968C>A (p.Gly3656=)

Gene: AHNAK (AHNAK nucleoprotein; minus strand). Cytogenetic location: 11q12.3.
Variant type: single nucleotide variant.
Coding change: c.10968C>A on transcript NM_001620.3 (MANE Select); coding-DNA position 10968, C replaced by A.
Protein change: p.Gly3656=; no amino-acid change (glycine 3656 retained).
Molecular consequence: synonymous variant. On other transcripts: intron variant (1).
Genome position (GRCh38, 1-based): chr11:62,523,449, G>T on the plus strand (C>A on the coding strand, the complement: AHNAK is on the minus strand). VCF-style: chr11-62523449-G-T. GRCh37 (hg19) VCF-style: chr11-62290921-G-T.
Other names: c.10968C>A, p.Gly3656= (NM_001346445.2, NM_001346446.2); c.342+11554C>A (NM_024060.4).
Identifiers: ClinVar variation 2641869 (VCV002641869.24), dbSNP rs199514616, ClinGen allele CA6044862.

ClinVar aggregate classification (germline): Likely benign (1 of 4 stars; one submission).

Allele frequency attached by ClinVar (database versions not stated): gnomAD 0.00012; 1000 Genomes Project 30x 0.00016; 1000 Genomes Project 0.00020.
gnomAD v4.1: 34 of 1,611,638 alleles (0.0021%); highest among the groups gnomAD compares: African/African-American, 0.04%; no homozygotes.

Submission:

CeGaT Center for Human Genetics Tuebingen
Classification: Likely benign. Last evaluated: 2023-02-01. Review status: criteria provided, single submitter. Criteria: CeGaT Center For Human Genetics Tuebingen Variant Classification Criteria Version 2. Collection method: clinical testing. Allele origin: germline. Affected: yes. Observed: 1 variant allele.
Comment: AHNAK: BP4, BP7